The following is an entry in ClinVar:

ClinVar aggregate classification (germline): Uncertain significance (1 of 4 stars; one submission).

gnomAD v4.1: 1 of 1,614,050 alleles (0.000062%); highest among the groups gnomAD compares: African/African-American, 0.0013%; no homozygotes.

Submission:

Dasa
Classification: Uncertain significance. Last evaluated: 2025-07-10. Review status: criteria provided, single submitter. Criteria: DASA Assertion Criteria. Collection method: clinical testing. Allele origin: germline.
Comment: NM_004068.4(AP2M1):c.648G>A (p.Met216Ile) is a missense variant that results in the substitution of methionine with isoleucine. This variant is rare in population databases. Computational prediction algorithms are consistent with a benign effect. The currently available literature and clinical evidence are not sufficient to establish a definitive association between this variant and the reported condition. Therefore, this variant is classified as a variant of uncertain significance.

NM_004068.4(AP2M1):c.648G>A (p.Met216Ile)

Gene: AP2M1 (adaptor related protein complex 2 subunit mu 1; plus strand). Cytogenetic location: 3q27.1.
Variant type: single nucleotide variant.
Coding change: c.648G>A on transcript NM_004068.4 (MANE Select); coding-DNA position 648, G replaced by A.
Protein change: p.Met216Ile; replaces methionine 216 with isoleucine.
Molecular consequence: missense variant.
Genome position (GRCh38, 1-based): chr3:184,181,167, G>A. VCF-style: chr3-184181167-G-A. GRCh37 (hg19) VCF-style: chr3-183898955-G-A.
Other names: c.642G>A, p.Met214Ile (NM_001025205.2); c.723G>A, p.Met241Ile (NM_001311198.2); short protein forms M214I, M216I, M241I.
Identifiers: ClinVar variation 4882113 (VCV004882113.2).